The following is an entry in ClinVar:

NM_005472.5(KCNE3):c.247C>T (p.Arg83Cys)

Gene: KCNE3 (potassium voltage-gated channel subfamily E regulatory subunit 3; minus strand). Cytogenetic location: 11q13.4.
Variant type: single nucleotide variant.
Coding change: c.247C>T on transcript NM_005472.5 (MANE Select); coding-DNA position 247, C replaced by T.
Protein change: p.Arg83Cys; replaces arginine 83 with cysteine.
Molecular consequence: missense variant.
Genome position (GRCh38, 1-based): chr11:74,457,317, G>A on the plus strand (C>T on the coding strand, the complement: KCNE3 is on the minus strand). VCF-style: chr11-74457317-G-A. GRCh37 (hg19) VCF-style: chr11-74168362-G-A.
Other names: short protein forms R83C.
Identifiers: ClinVar variation 2150173 (VCV002150173.5), dbSNP rs966495313, ClinGen allele CA224975653.

ClinVar aggregate classification (germline): Uncertain significance. Review status: criteria provided, multiple submitters, no conflicts (2 of 4 stars). 2 submissions from 2 submitters: Uncertain significance (2). Last evaluated 2025-04-13.

Conditions:
Cardiovascular phenotype. Identifiers: MedGen CN230736.
Brugada syndrome 6 (BRGDA6). Identifiers: Orphanet 130, MedGen C2751089, MONDO:0013145, OMIM 613119.

Allele frequency attached by ClinVar (database versions not stated): TOPMed below 0.00001; gnomAD 0.00001; gnomAD exomes 0.00001.

Submissions (2):

Ambry Genetics
Classification: Uncertain significance for Cardiovascular phenotype. Last evaluated: 2025-04-13. Review status: criteria provided, single submitter. Criteria: Ambry Variant Classification Scheme 2023. Collection method: clinical testing. Allele origin: germline.
Comment: The p.R83C variant (also known as c.247C>T), located in coding exon 1 of the KCNE3 gene, results from a C to T substitution at nucleotide position 247. The arginine at codon 83 is replaced by cysteine, an amino acid with highly dissimilar properties. This amino acid position is well conserved in available vertebrate species. In addition, the in silico prediction for this alteration is inconclusive. The evidence for this gene-disease relationship is limited; therefore, the clinical significance of this alteration is unclear.

Labcorp Genetics (formerly Invitae), Labcorp
Classification: Uncertain significance for Brugada syndrome 6. Last evaluated: 2022-08-12. Review status: criteria provided, single submitter. Criteria: Invitae Variant Classification Sherloc (09022015). Collection method: clinical testing. Allele origin: germline.
Comment: In summary, the available evidence is currently insufficient to determine the role of this variant in disease. Therefore, it has been classified as a Variant of Uncertain Significance. Algorithms developed to predict the effect of missense changes on protein structure and function are either unavailable or do not agree on the potential impact of this missense change (SIFT: "Deleterious"; PolyPhen-2: "Benign"; Align-GVGD: "Class C55"). This variant has not been reported in the literature in individuals affected with KCNE3-related conditions. This variant is present in population databases (no rsID available, gnomAD 0.006%). This sequence change replaces arginine, which is basic and polar, with cysteine, which is neutral and slightly polar, at codon 83 of the KCNE3 protein (p.Arg83Cys).